The following is an entry in ClinVar:

ClinVar aggregate classification (germline): Pathogenic. Review status: criteria provided, multiple submitters, no conflicts (2 of 4 stars). 9 submissions from 9 submitters: Pathogenic (7). 2 of the submissions do not count toward it. Last evaluated 2026-05-17.

Conditions:
MAN2B1-related disorder. Also called: MAN2B1-related condition.
Deficiency of alpha-mannosidase (MANSA). Also called: LYSOSOMAL ALPHA-D-MANNOSIDASE DEFICIENCY; Alpha-Mannosidosis; Mannosidosis, alpha-, types I and II. Identifiers: Orphanet 61, MedGen C0024748, MONDO:0009561, OMIM 248500.

Submissions (9):

PreventionGenetics, part of Exact Sciences
Classification: Pathogenic for MAN2B1-related condition. Last evaluated: 2026-05-17. Review status: criteria provided, single submitter. Criteria: ACMG Guidelines, 2015. Collection method: clinical testing. Allele origin: germline.
Comment: The MAN2B1 c.1383C>G variant is predicted to result in premature protein termination (p.Tyr461*). This variant was reported in the homozygous state in an individual with alpha mannosidosis (Lyons et al. 2007. PubMed ID: 17979865) and in the heterozygous state without a second potentially causative variant (Table S5, Posey et al. 2016. PubMed ID: 27959697). This variant has not been reported in a large population database (gnomAD), indicating this variant is rare. Nonsense variants in MAN2B1 are expected to be pathogenic. This variant is interpreted as pathogenic.

Variantyx, Inc.
Classification: Pathogenic for Deficiency of alpha-mannosidase. Last evaluated: 2026-01-05. Review status: criteria provided, single submitter. Criteria: Variantyx Assertion Criteria 2022. Collection method: clinical testing. Allele origin: germline. Inheritance: Autosomal recessive inheritance. Affected: yes.
Comment: This is a nonsense variant in the MAN2B1 gene (OMIM: 609458). Pathogenic variants in this gene have been associated with autosomal recessive alpha-mannosidosis, types I and II. This variant introduces a premature termination codon in exon 11 out of 24 and is expected to result in loss of function, which is a known disease mechanism for MAN2B1 in this disorder (PMID: 9915946, 22161967) (PVS1). This variant has been reported in the homozygous state in at least one affected individual (PMID: 17979865) (PM3). It has a 0.0019% maximum allele frequency in non-founder control populations (PM2). Based on the current evidence, this variant is classified as pathogenic for autosomal recessive alpha-mannosidosis, types I and II.

Natera, Inc.
Classification: Pathogenic for Alpha-mannosidosis. Last evaluated: 2025-05-01. Review status: criteria provided, single submitter. Criteria: Natera Variant Classification Schema (03/2026). Collection method: clinical testing. Allele origin: germline.
Comment: The c.1383C>G variant in MAN2B1 is a nonsense variant predicted to introduce a stop codon at amino acid 461. This variant is expected to result in nonsense mediated decay, truncation, or a dysfunctional protein product. This variant is rare in the general population with a frequency below the threshold expected for the associated phenotype(s). This variant has been observed in one or more individuals affected with the associated recessive disease, as either homozygous or compound heterozygous with a second variant (PMID: 34614013). Given the available evidence, this variant is classified as Pathogenic.

GeneDx
Classification: Pathogenic. Last evaluated: 2024-09-03. Review status: criteria provided, single submitter. Criteria: GeneDx Variant Classification Process June 2021. Collection method: clinical testing. Allele origin: germline. Affected: yes.
Comment: Nonsense variant predicted to result in protein truncation or nonsense mediated decay in a gene for which loss of function is a known mechanism of disease; Not observed at significant frequency in large population cohorts (gnomAD); This variant is associated with the following publications: (PMID: 25525159, 17979865, 27959697)

Labcorp Genetics (formerly Invitae), Labcorp
Classification: Pathogenic for Deficiency of alpha-mannosidase. Last evaluated: 2024-02-18. Review status: criteria provided, single submitter. Criteria: Invitae Variant Classification Sherloc (09022015). Collection method: clinical testing. Allele origin: germline.
Comment: This sequence change creates a premature translational stop signal (p.Tyr461*) in the MAN2B1 gene. It is expected to result in an absent or disrupted protein product. Loss-of-function variants in MAN2B1 are known to be pathogenic (PMID: 9915946, 22161967). This variant is not present in population databases (gnomAD no frequency). This premature translational stop signal has been observed in individual(s) with alpha-mannosidosis (PMID: 17979865). ClinVar contains an entry for this variant (Variation ID: 189068). For these reasons, this variant has been classified as Pathogenic.

Genome-Nilou Lab
Classification: Pathogenic for Deficiency of alpha-mannosidase. Last evaluated: 2021-09-05. Review status: criteria provided, single submitter. Criteria: ACMG Guidelines, 2015. Collection method: clinical testing. Allele origin: germline. Affected: no.

Women's Health and Genetics/Laboratory Corporation of America, LabCorp
Classification: Pathogenic for Deficiency of alpha-mannosidase. Last evaluated: 2016-08-04. Review status: criteria provided, single submitter. Criteria: LabCorp Variant Classification Summary - May 2015. Collection method: clinical testing. Allele origin: germline.
Comment: Variant summary: The MAN2B1 c.1383C>G (p.Tyr461X) variant results in a premature termination codon, predicted to cause a truncated or absent MAN2B1 protein due to nonsense mediated decay, which are commonly known mechanisms for disease. One in silico tool predicts a damaging outcome for this variant. This variant was absent in 17720 control chromosomes, but has been observed in at least one alpha-mannosidosis patient in homozygous state. In addition, one clinical diagnostic laboratory classified this variant as likely pathogenic, and a similar variant, c.1383C>A (p.Y461X), was classified as pathogenic by Emory Genetics. c.1383C>A (p.Y461X) has been reported in multiple alpha-mannosidosis patients (PMID: 22161967). Taken together, this variant is classified as Pathogenic.

Counsyl
Classification: Likely pathogenic for Deficiency of alpha-mannosidase. Last evaluated: 2014-11-25. Review status: no assertion criteria provided. Collection method: literature only. Allele origin: unknown. Inheritance: Autosomal recessive inheritance. Not counted in ClinVar's aggregate classification.

Baylor Genetics
Classification: Pathogenic for Deficiency of alpha-mannosidase. Last evaluated: 2014-10-03. Review status: no assertion criteria provided. Collection method: clinical testing. Allele origin: paternal. Inheritance: Autosomal recessive inheritance. Affected: yes. Observed: 1 variant allele, 1 compound heterozygote. Not counted in ClinVar's aggregate classification.
Comment: The c.1383C>G variant in MAN2B1 has been previously reported as disease-causing [PMID 17979865].

Literature cited by the submitters: PubMed 9915946 (cited by Variantyx, Inc. and Labcorp Genetics (formerly Invitae), Labcorp); PubMed 22161967 (cited by Variantyx, Inc. and Labcorp Genetics (formerly Invitae), Labcorp); PubMed 17979865 (cited by 5 submitters); PubMed 34614013 (cited by Natera, Inc.); PubMed 19958498 (cited by Women's Health and Genetics/Laboratory Corporation of America, LabCorp and Counsyl).

NM_000528.4(MAN2B1):c.1383C>G (p.Tyr461Ter)

Genes: MAN2B1 (mannosidase alpha class 2B member 1; minus strand), LOC129391064 (MPRA-validated peak3365 silencer; plus strand). Cytogenetic location: 19p13.13.
Variant type: single nucleotide variant.
Coding change: c.1383C>G on transcript NM_000528.4 (MANE Select); coding-DNA position 1383, C replaced by G.
Protein change: p.Tyr461Ter; replaces tyrosine 461 with a stop codon.
Molecular consequence: nonsense.
Genome position (GRCh38, 1-based): chr19:12,657,482, G>C on the plus strand (C>G on the coding strand, the complement: MAN2B1 is on the minus strand). VCF-style: chr19-12657482-G-C. GRCh37 (hg19) VCF-style: chr19-12768296-G-C.
Other names: c.1380C>G, p.Tyr460Ter (NM_001173498.2); short protein forms Y461*, Y460*.
Identifiers: ClinVar variation 189068 (VCV000189068.21), dbSNP rs775200333, ClinGen allele CA274341.
Genomic context (GRCh38, chr19:12,657,482, plus strand): 5'-TCTCCCAAGTCTCGCCCCGCGCACCTCGCAAGGCCCCCAGCCTGCCGCAAGCTGGCGCGC[G>C]TAGTCGTTGGCCACGTGCTGGCGGGAGGTGCCGCTGACGGCGTCGTGATGCTGGAGCACA-3'